The following is an entry in ClinVar:

NM_003737.4(DCHS1):c.5132G>A (p.Arg1711Gln)

Gene: DCHS1 (dachsous cadherin-related 1; minus strand). Cytogenetic location: 11p15.4.
Variant type: single nucleotide variant.
Coding change: c.5132G>A on transcript NM_003737.4 (MANE Select); coding-DNA position 5132, G replaced by A.
Protein change: p.Arg1711Gln; replaces arginine 1711 with glutamine.
Molecular consequence: missense variant.
Genome position (GRCh38, 1-based): chr11:6,629,481, C>T on the plus strand (G>A on the coding strand, the complement: DCHS1 is on the minus strand). VCF-style: chr11-6629481-C-T. GRCh37 (hg19) VCF-style: chr11-6650712-C-T.
Other names: short protein forms R1711Q.
Identifiers: ClinVar variation 3694199 (VCV003694199.2).
Genomic context (GRCh38, chr11:6,629,481, plus strand): 5'-CTCAGGCTCTTGGGGTCCTGTCAACATGTACCTGTCAGGTTGATCTCCTCCTGTTCCTCT[C>T]GATCCAGGGCCCGAAGAGTCGTGAGAACACCAGTGTCAGGATCCAGAGAAAAGCTTTCGC-3'
Protein context (NP_003728.1, residues 1701-1721): GVLTTLRALD[Arg1711Gln]EEQEEINLTV

ClinVar aggregate classification (germline): Uncertain significance (1 of 4 stars; one submission).

gnomAD v4.1: 7 of 1,612,978 alleles (0.00043%); highest among the groups gnomAD compares: South Asian, 0.0055%; no homozygotes.

Submission:

Labcorp Genetics (formerly Invitae), Labcorp
Classification: Uncertain significance. Last evaluated: 2024-07-23. Review status: criteria provided, single submitter. Criteria: Invitae Variant Classification Sherloc (09022015). Collection method: clinical testing. Allele origin: germline.
Comment: This sequence change replaces arginine, which is basic and polar, with glutamine, which is neutral and polar, at codon 1711 of the DCHS1 protein (p.Arg1711Gln). This variant is not present in population databases (gnomAD no frequency). This variant has not been reported in the literature in individuals affected with DCHS1-related conditions. Advanced modeling of protein sequence and biophysical properties (such as structural, functional, and spatial information, amino acid conservation, physicochemical variation, residue mobility, and thermodynamic stability) performed at Invitae indicates that this missense variant is not expected to disrupt DCHS1 protein function with a negative predictive value of 80%. In summary, the available evidence is currently insufficient to determine the role of this variant in disease. Therefore, it has been classified as a Variant of Uncertain Significance.